The following is an entry in ClinVar:

NM_001139.3(ALOX12B):c.1158dup (p.Tyr387fs)

Gene: ALOX12B (arachidonate 12-lipoxygenase, 12R type; minus strand). Cytogenetic location: 17p13.1.
Variant type: Duplication.
Coding change: c.1158dup on transcript NM_001139.3 (MANE Select); coding-DNA position 1158, one base duplicated (C; older notation c.1158dupC).
Protein change: p.Tyr387fs; shifts the reading frame from tyrosine 387.
Molecular consequence: frameshift variant.
Genome position (GRCh38, 1-based): chr17:8,077,107, G duplicated on the plus strand (C on the coding strand, the reverse complement: ALOX12B is on the minus strand). VCF-style (leftmost placement, unchanged base first): chr17-8077106-A-AG. GRCh37 (hg19) VCF-style: chr17-7980424-A-AG.
Other names: c.1158dup (NM_001139.2); short protein forms Y387fs.
Identifiers: ClinVar variation 1398067 (VCV001398067.8), dbSNP rs759653224, ClinGen allele CA8367383.

ClinVar aggregate classification (germline): Pathogenic/Likely pathogenic. Review status: criteria provided, multiple submitters, no conflicts (2 of 4 stars). 3 submissions from 3 submitters: Pathogenic (1); Likely pathogenic (2). Last evaluated 2025-12-03.

Conditions:
Autosomal recessive congenital ichthyosis 2 (ARCI2). Identifiers: Orphanet 281122, Orphanet 79394, MedGen C3888093, MONDO:0009439, OMIM 242100.

Allele frequency attached by ClinVar (database versions not stated): gnomAD exomes below 0.00001 and 0.00001; ExAC 0.00003; gnomAD 0.00007; ESP Exome Variant Server 0.00008; TOPMed 0.00009.

Submissions (3):

Greenwood Genetic Center Diagnostic Laboratories, Greenwood Genetic Center
Classification: Likely pathogenic for Autosomal recessive congenital ichthyosis 2. Last evaluated: 2025-12-03. Review status: criteria provided, single submitter. Criteria: ACMG Guidelines, 2015. Collection method: clinical testing. Allele origin: germline. Affected: yes.
Comment: PVS1, PM2

Fulgent Genetics
Classification: Likely pathogenic for Autosomal recessive congenital ichthyosis 2. Last evaluated: 2024-04-30. Review status: criteria provided, single submitter. Criteria: ACMG Guidelines, 2015. Collection method: clinical testing. Allele origin: germline.

Labcorp Genetics (formerly Invitae), Labcorp
Classification: Pathogenic. Last evaluated: 2021-12-03. Review status: criteria provided, single submitter. Criteria: Invitae Variant Classification Sherloc (09022015). Collection method: clinical testing. Allele origin: germline.
Comment: For these reasons, this variant has been classified as Pathogenic. This variant has not been reported in the literature in individuals affected with ALOX12B-related conditions. This variant is present in population databases (rs759653224, gnomAD 0.01%). This sequence change creates a premature translational stop signal (p.Tyr387Leufs*21) in the ALOX12B gene. It is expected to result in an absent or disrupted protein product. Loss-of-function variants in ALOX12B are known to be pathogenic (PMID: 16116617, 23621129, 31046801).

Literature cited by the submitters: PubMed 16116617 (cited by Labcorp Genetics (formerly Invitae), Labcorp); PubMed 23621129 (cited by Labcorp Genetics (formerly Invitae), Labcorp); PubMed 31046801 (cited by Labcorp Genetics (formerly Invitae), Labcorp).